The following is an entry in ClinVar:

ClinVar aggregate classification (germline): Benign (1 of 4 stars; one submission).

Conditions:
Pulmonary hypertension, primary, 1 (PPH1). Also called: Pulmonary hypertension, familial primary, 1, with or without HHT. Identifiers: Orphanet 422, MedGen C4552070, MONDO:0024533, OMIM 178600.

Allele frequency attached by ClinVar (database versions not stated): 1000 Genomes Project 0.00040; gnomAD 0.00086 and 0.00089; TOPMed 0.00145; 1000 Genomes Project 30x 0.00062.

Submission:

Illumina Laboratory Services, Illumina
Classification: Benign for Pulmonary hypertension, primary, 1. Last evaluated: 2018-01-12. Review status: criteria provided, single submitter. Criteria: ICSL Variant Classification Criteria 13 December 2019. Collection method: clinical testing. Allele origin: germline.
Comment: This variant was observed in the ICSL laboratory as part of a predisposition screen in an ostensibly healthy population. It had not been previously curated by ICSL or reported in the Human Gene Mutation Database (HGMD: prior to June 1st, 2018), and was therefore a candidate for classification through an automated scoring system. Utilizing variant allele frequency, disease prevalence and penetrance estimates, and inheritance mode, an automated score was calculated to assess if this variant is too frequent to cause the disease. Based on the score and internal cut-off values, a variant classified as benign is not then subjected to further curation. The score for this variant resulted in a classification of benign for this disease.

NM_001204.7(BMPR2):c.*1306A>C

Gene: BMPR2 (bone morphogenetic protein receptor type 2; plus strand). Cytogenetic location: 2q33.2.
Variant type: single nucleotide variant.
Coding change: c.*1306A>C on transcript NM_001204.7 (MANE Select); 1306 bases downstream of the stop codon, A replaced by C.
Molecular consequence: 3 prime UTR variant.
Genome position (GRCh38, 1-based): chr2:202,561,252, A>C. VCF-style: chr2-202561252-A-C. GRCh37 (hg19) VCF-style: chr2-203425975-A-C.
Other names: c.*1306A>C (LRG_712t1).
Identifiers: ClinVar variation 333670 (VCV000333670.5), dbSNP rs189652117, ClinGen allele CA10613609.
Genomic context (GRCh38, chr2:202,561,252, plus strand): 5'-GAAGGGCTGCTATCAAACCTACCTTTTTTGAGCAAACTGAGACTAAACTTCTCTCTTTTC[A>C]AAATTGTGTTATCTTCCTTAATCCTATTTTCATAATTTTTCCTTTTGCCAGTTTTTCACA-3'